The following is an entry in ClinVar:

NM_020436.5(SALL4):c.789C>T (p.His263=)

Gene: SALL4 (spalt like transcription factor 4; minus strand). Cytogenetic location: 20q13.2.
Variant type: single nucleotide variant.
Coding change: c.789C>T on transcript NM_020436.5 (MANE Select); coding-DNA position 789, C replaced by T.
Protein change: p.His263=; no amino-acid change (histidine 263 retained).
Molecular consequence: synonymous variant.
Genome position (GRCh38, 1-based): chr20:51,791,694, G>A on the plus strand (C>T on the coding strand, the complement: SALL4 is on the minus strand). VCF-style: chr20-51791694-G-A. GRCh37 (hg19) VCF-style: chr20-50408233-G-A.
Other names: c.789C>T (NM_020436.4); c.789C>T, p.His263= (NM_001318031.2).
Identifiers: ClinVar variation 2819644 (VCV002819644.5), dbSNP rs374042570, ClinGen allele CA9912392.

ClinVar aggregate classification (germline): Likely benign. Review status: criteria provided, single submitter (1 of 4 stars). 2 submissions from 2 submitters: Likely benign (1). 1 of the submissions does not count toward it. Last evaluated 2025-04-11.

Conditions:
Duane-radial ray syndrome (DRRS). Also called: ACRORENOOCULAR SYNDROME; DR SYNDROME; DUANE ANOMALY WITH RADIAL RAY ABNORMALITIES AND DEAFNESS; Okihiro Syndrome; Duane-Radial Ray Syndrome/Okihiro Syndrome; Duane-Radial Ray Syndrome (DRRS) / Okihiro Syndrome. Identifiers: Orphanet 93293, Orphanet 959, MedGen C1623209, MONDO:0011812, OMIM 607323. Disease mechanism: gain of function.
SALL4-Related Disorders. Also called: SALL4-related disorder; SALL4-related condition. Identifiers: MedGen CN381056.

Allele frequency attached by ClinVar (database versions not stated): gnomAD exomes 0.00001; ExAC 0.00002; gnomAD 0.00003; TOPMed 0.00003; ESP Exome Variant Server 0.00008.
gnomAD v4.1: 24 of 1,614,108 alleles (0.0015%); highest among the groups gnomAD compares: African/African-American, 0.0027%; no homozygotes.

Submissions (2):

Labcorp Genetics (formerly Invitae), Labcorp
Classification: Likely benign for Duane-radial ray syndrome. Last evaluated: 2025-04-11. Review status: criteria provided, single submitter. Criteria: Invitae Variant Classification Sherloc (09022015). Collection method: clinical testing. Allele origin: germline.

PreventionGenetics, part of Exact Sciences
Classification: Likely benign for SALL4-related condition. Last evaluated: 2019-06-14. Review status: no assertion criteria provided. Collection method: clinical testing. Allele origin: germline. Not counted in ClinVar's aggregate classification.
Comment: This variant is classified as likely benign based on ACMG/AMP sequence variant interpretation guidelines (Richards et al. 2015 PMID: 25741868, with internal and published modifications).